The following is an entry in ClinVar:

NM_001278116.2(L1CAM):c.247G>C (p.Gly83Arg)

Gene: L1CAM (L1 cell adhesion molecule; minus strand). Cytogenetic location: Xq28.
Variant type: single nucleotide variant.
Coding change: c.247G>C on transcript NM_001278116.2 (MANE Select); coding-DNA position 247, G replaced by C.
Protein change: p.Gly83Arg; replaces glycine 83 with arginine.
Molecular consequence: missense variant.
Genome position (GRCh38, 1-based): chrX:153,872,305, C>G on the plus strand (G>C on the coding strand, the complement: L1CAM is on the minus strand). VCF-style: chrX-153872305-C-G. GRCh37 (hg19) VCF-style: chrX-153137760-C-G.
Other names: c.247G>C, p.Gly83Arg (NM_000425.5, NM_024003.3); c.232G>C, p.Gly78Arg (NM_001143963.2); short protein forms G78R, G83R.
Identifiers: ClinVar variation 2632236 (VCV002632236.2), dbSNP rs2521035725, ClinGen allele CA415138860.

ClinVar aggregate classification (germline): Uncertain significance (1 of 4 stars; one submission).

Conditions:
L1CAM-related disorder. Also called: L1CAM-related condition.

Submission:

PreventionGenetics, part of Exact Sciences
Classification: Uncertain significance for L1CAM-related condition. Last evaluated: 2025-10-22. Review status: criteria provided, single submitter. Criteria: ACMG Guidelines, 2015. Collection method: clinical testing. Allele origin: germline.
Comment: The L1CAM c.247G>C variant is predicted to result in the amino acid substitution p.Gly83Arg. To our knowledge, this variant has not been reported in the literature or in gnomAD, indicating this variant is rare. At this time, the clinical significance of this variant is uncertain due to the absence of conclusive functional and genetic evidence.